The following is an entry in ClinVar:

ClinVar aggregate classification (germline): Uncertain significance (1 of 4 stars; one submission).

Conditions:
CHRNA4-related disorder. Also called: CHRNA4-related condition.

Submission:

PreventionGenetics, part of Exact Sciences
Classification: Uncertain significance for CHRNA4-related condition. Last evaluated: 2023-04-27. Review status: criteria provided, single submitter. Criteria: ACMG Guidelines, 2015. Collection method: clinical testing. Allele origin: germline.
Comment: The CHRNA4 c.240C>A variant is predicted to result in the amino acid substitution p.Asn80Lys. To our knowledge, this variant has not been reported in the literature or in a large population database, indicating this variant is rare. At this time, the clinical significance of this variant is uncertain due to the absence of conclusive functional and genetic evidence.

NM_000744.7(CHRNA4):c.240C>A (p.Asn80Lys)

Genes: CHRNA4 (cholinergic receptor nicotinic alpha 4 subunit; minus strand), LOC126863087 (P300/CBP strongly-dependent group 1 enhancer GRCh37_chr20:61986832-61988031; plus strand). Cytogenetic location: 20q13.33.
Variant type: single nucleotide variant.
Coding change: c.240C>A on transcript NM_000744.7 (MANE Select); coding-DNA position 240, C replaced by A.
Protein change: p.Asn80Lys; replaces asparagine 80 with lysine.
Molecular consequence: missense variant. On other transcripts: 5 prime UTR variant (1), non-coding transcript variant (1).
Genome position (GRCh38, 1-based): chr20:63,356,404, G>T on the plus strand (C>A on the coding strand, the complement: CHRNA4 is on the minus strand). VCF-style: chr20-63356404-G-T. GRCh37 (hg19) VCF-style: chr20-61987756-G-T.
Other names: c.-307C>A (NM_001256573.2); short protein forms N80K.
Identifiers: ClinVar variation 2632953 (VCV002632953.1), dbSNP rs2516563968, ClinGen allele CA409641504.